The following is an entry in ClinVar:

ClinVar aggregate classification (germline): Uncertain significance (1 of 4 stars; one submission).

Conditions:
Genitopatellar syndrome (GTPTS). Also called: Genitopatellar syndrome (GPS); ABSENT PATELLAE, SCROTAL HYPOPLASIA, RENAL ANOMALIES, FACIAL DYSMORPHISM, AND MENTAL RETARDATION. Identifiers: Orphanet 85201, MedGen C1853566, MONDO:0011640, OMIM 606170.

Allele frequency attached by ClinVar (database versions not stated): gnomAD exomes below 0.00001.
gnomAD v4.1: 1 of 1,614,206 alleles (0.000062%); highest among the groups gnomAD compares: South Asian, 0.0011%; no homozygotes.

Submission:

Labcorp Genetics (formerly Invitae), Labcorp
Classification: Uncertain significance for Genitopatellar syndrome. Last evaluated: 2020-09-02. Review status: criteria provided, single submitter. Criteria: Invitae Variant Classification Sherloc (09022015). Collection method: clinical testing. Allele origin: germline.
Comment: In summary, the available evidence is currently insufficient to determine the role of this variant in disease. Therefore, it has been classified as a Variant of Uncertain Significance. This sequence change replaces methionine with valine at codon 2013 of the KAT6B protein (p.Met2013Val). The methionine residue is weakly conserved and there is a small physicochemical difference between methionine and valine. This variant is not present in population databases (ExAC no frequency). This variant has not been reported in the literature in individuals with KAT6B-related conditions. Algorithms developed to predict the effect of missense changes on protein structure and function are either unavailable or do not agree on the potential impact of this missense change (SIFT: "Deleterious"; PolyPhen-2: "Possibly Damaging"; Align-GVGD: "Class C0").

NM_012330.4(KAT6B):c.6037A>G (p.Met2013Val)

Gene: KAT6B (lysine acetyltransferase 6B; plus strand). Cytogenetic location: 10q22.2.
Variant type: single nucleotide variant.
Coding change: c.6037A>G on transcript NM_012330.4 (MANE Select); coding-DNA position 6037, A replaced by G.
Protein change: p.Met2013Val; replaces methionine 2013 with valine.
Molecular consequence: missense variant.
Genome position (GRCh38, 1-based): chr10:75,030,861, A>G. VCF-style: chr10-75030861-A-G. GRCh37 (hg19) VCF-style: chr10-76790619-A-G.
Other names: c.5488A>G, p.Met1830Val (NM_001256468.2, NM_001370138.1); c.5161A>G, p.Met1721Val (NM_001256469.2, NM_001370139.1, NM_001370140.1 and 2 more transcripts); c.4999A>G, p.Met1667Val (NM_001370132.1); c.4348A>G, p.Met1450Val (NM_001370133.1); c.3952A>G, p.Met1318Val (NM_001370134.1); c.3694A>G, p.Met1232Val (NM_001370135.1); c.6037A>G, p.Met2013Val (NM_001370136.1, NM_001370137.1); c.4972A>G, p.Met1658Val (NM_001370143.1, NM_001370144.1); short protein forms M1667V, M1318V, M1450V, M1830V, M1721V, M2013V, M1232V, M1658V.
Identifiers: ClinVar variation 1034642 (VCV001034642.9), dbSNP rs1846270592, ClinGen allele CA377302811.